The following is an entry in ClinVar:

ClinVar aggregate classification (germline): Uncertain significance (1 of 4 stars; one submission).

Conditions:
Autosomal dominant limb-girdle muscular dystrophy type 1F (LGMDD2). Also called: MUSCULAR DYSTROPHY, LIMB-GIRDLE, AUTOSOMAL DOMINANT 2; Limb-girdle muscular dystrophy, type 1F. Identifiers: Orphanet 55595, MedGen C1842062, MONDO:0012034, OMIM 608423.

Allele frequency attached by ClinVar (database versions not stated): gnomAD exomes below 0.00001; TOPMed 0.00001.
gnomAD v4.1: 3 of 1,613,258 alleles (0.00019%); highest among the groups gnomAD compares: South Asian, 0.0011%; no homozygotes.

Submission:

Labcorp Genetics (formerly Invitae), Labcorp
Classification: Uncertain significance for Autosomal dominant limb-girdle muscular dystrophy type 1F. Last evaluated: 2023-03-17. Review status: criteria provided, single submitter. Criteria: Invitae Variant Classification Sherloc (09022015). Collection method: clinical testing. Allele origin: germline.
Comment: In summary, the available evidence is currently insufficient to determine the role of this variant in disease. Therefore, it has been classified as a Variant of Uncertain Significance. Algorithms developed to predict the effect of sequence changes on RNA splicing suggest that this variant may create or strengthen a splice site. Advanced modeling of protein sequence and biophysical properties (such as structural, functional, and spatial information, amino acid conservation, physicochemical variation, residue mobility, and thermodynamic stability) performed at Invitae indicates that this missense variant is not expected to disrupt TNPO3 protein function. ClinVar contains an entry for this variant (Variation ID: 1022325). This missense change has been observed in individual(s) with clinical features of TNPO3-related conditions (Invitae). This variant is not present in population databases (gnomAD no frequency). This sequence change replaces aspartic acid, which is acidic and polar, with glycine, which is neutral and non-polar, at codon 575 of the TNPO3 protein (p.Asp575Gly).

NM_012470.4(TNPO3):c.1724A>G (p.Asp575Gly)

Gene: TNPO3 (transportin 3; minus strand). Cytogenetic location: 7q32.1.
Variant type: single nucleotide variant.
Coding change: c.1724A>G on transcript NM_012470.4 (MANE Select); coding-DNA position 1724, A replaced by G.
Protein change: p.Asp575Gly; replaces aspartic acid 575 with glycine.
Molecular consequence: missense variant. On other transcripts: non-coding transcript variant (18).
Genome position (GRCh38, 1-based): chr7:128,984,226, T>C on the plus strand (A>G on the coding strand, the complement: TNPO3 is on the minus strand). VCF-style: chr7-128984226-T-C. GRCh37 (hg19) VCF-style: chr7-128624280-T-C.
Other names: c.1532A>G, p.Asp511Gly (NM_001191028.3, NM_001382223.1); c.1826A>G, p.Asp609Gly (NM_001382216.1); c.1805A>G, p.Asp602Gly (NM_001382217.1); c.1724A>G, p.Asp575Gly (NM_001382218.1, NM_001382220.1); c.1616A>G, p.Asp539Gly (NM_001382219.1); c.1580A>G, p.Asp527Gly (NM_001382221.1); c.1577A>G, p.Asp526Gly (NM_001382222.1); short protein forms D511G, D526G, D527G, D539G, D575G, D602G, D609G.
Identifiers: ClinVar variation 1022325 (VCV001022325.9), dbSNP rs996597469, ClinGen allele CA166213566.